The following is an entry in ClinVar:

NM_031935.3(HMCN1):c.10715C>T (p.Thr3572Met)

Gene: HMCN1 (hemicentin 1; plus strand). Cytogenetic location: 1q31.1.
Variant type: single nucleotide variant.
Coding change: c.10715C>T on transcript NM_031935.3 (MANE Select); coding-DNA position 10715, C replaced by T.
Protein change: p.Thr3572Met; replaces threonine 3572 with methionine.
Molecular consequence: missense variant.
Genome position (GRCh38, 1-based): chr1:186,103,613, C>T. VCF-style: chr1-186103613-C-T. GRCh37 (hg19) VCF-style: chr1-186072745-C-T.
Other names: short protein forms T3572M.
Identifiers: ClinVar variation 1928238 (VCV001928238.5), dbSNP rs560484387, ClinGen allele CA1293794.

ClinVar aggregate classification (germline): Uncertain significance (1 of 4 stars; one submission).

Allele frequency attached by ClinVar (database versions not stated): TOPMed 0.00002; gnomAD 0.00003; ExAC 0.00004; 1000 Genomes Project 30x 0.00016; 1000 Genomes Project 0.00020.
gnomAD v4.1: 22 of 1,613,844 alleles (0.0014%); highest among the groups gnomAD compares: South Asian, 0.0077%; no homozygotes.

Submission:

Labcorp Genetics (formerly Invitae), Labcorp
Classification: Uncertain significance. Last evaluated: 2025-09-19. Review status: criteria provided, single submitter. Criteria: Invitae Variant Classification Sherloc (09022015). Collection method: clinical testing. Allele origin: germline.
Comment: This sequence change replaces threonine, which is neutral and polar, with methionine, which is neutral and non-polar, at codon 3572 of the HMCN1 protein (p.Thr3572Met). This variant is present in population databases (rs560484387, gnomAD 0.01%). This variant has not been reported in the literature in individuals affected with HMCN1-related conditions. ClinVar contains an entry for this variant (Variation ID: 1928238). An algorithm developed to predict the effect of missense changes on protein structure and function outputs the following: PolyPhen-2: "Benign". The methionine amino acid residue is found in multiple mammalian species, which suggests that this missense change does not adversely affect protein function. In summary, the available evidence is currently insufficient to determine the role of this variant in disease. Therefore, it has been classified as a Variant of Uncertain Significance.